The following is an entry in ClinVar:

NM_006206.6(PDGFRA):c.695T>C (p.Val232Ala)

Gene: PDGFRA (platelet derived growth factor receptor alpha; plus strand). Cytogenetic location: 4q12.
Variant type: single nucleotide variant.
Coding change: c.695T>C on transcript NM_006206.6 (MANE Select); coding-DNA position 695, T replaced by C.
Protein change: p.Val232Ala; replaces valine 232 with alanine.
Molecular consequence: missense variant.
Genome position (GRCh38, 1-based): chr4:54,264,985, T>C. VCF-style: chr4-54264985-T-C. GRCh37 (hg19) VCF-style: chr4-55131152-T-C.
Other names: c.695T>C, p.Val232Ala (NM_001347827.2, NM_001347829.2); c.770T>C, p.Val257Ala (NM_001347828.2); c.734T>C, p.Val245Ala (NM_001347830.2); short protein forms V232A, V245A, V257A.
Identifiers: ClinVar variation 1060850 (VCV001060850.9), dbSNP rs2110258098, ClinGen allele CA356890894.

ClinVar aggregate classification (germline): Uncertain significance (1 of 4 stars; one submission).

Conditions:
Gastrointestinal stromal tumor. Also called: Gastrointestinal stromal tumor, somatic; Gastrointestinal stroma tumor. Identifiers: Orphanet 44890, MedGen C0238198, MeSH D046152, MONDO:0011719, OMIM 606764, HP:0100723.

Submission:

Labcorp Genetics (formerly Invitae), Labcorp
Classification: Uncertain significance for Gastrointestinal stromal tumor. Last evaluated: 2020-05-12. Review status: criteria provided, single submitter. Criteria: Invitae Variant Classification Sherloc (09022015). Collection method: clinical testing. Allele origin: germline.
Comment: In summary, the available evidence is currently insufficient to determine the role of this variant in disease. Therefore, it has been classified as a Variant of Uncertain Significance. Algorithms developed to predict the effect of missense changes on protein structure and function (SIFT, PolyPhen-2, Align-GVGD) all suggest that this variant is likely to be tolerated, but these predictions have not been confirmed by published functional studies and their clinical significance is uncertain. This variant has not been reported in the literature in individuals with PDGFRA-related conditions. This variant is not present in population databases (ExAC no frequency). This sequence change replaces valine with alanine at codon 232 of the PDGFRA protein (p.Val232Ala). The valine residue is moderately conserved and there is a small physicochemical difference between valine and alanine.